The following is an entry in ClinVar:

NM_024426.6(WT1):c.530C>T (p.Ala177Val)

Genes: WT1 (WT1 transcription factor; minus strand), LOC107982234 (WT1/WT1-AS bi-directional promoter region; plus strand). Cytogenetic location: 11p13.
Variant type: single nucleotide variant.
Coding change: c.530C>T on transcript NM_024426.6 (MANE Select); coding-DNA position 530, C replaced by T.
Protein change: p.Ala177Val; replaces alanine 177 with valine.
Molecular consequence: missense variant. On other transcripts: non-coding transcript variant (2).
Genome position (GRCh38, 1-based): chr11:32,434,831, G>A on the plus strand (C>T on the coding strand, the complement: WT1 is on the minus strand). VCF-style: chr11-32434831-G-A. GRCh37 (hg19) VCF-style: chr11-32456377-G-A.
Other names: c.515C>T (NM_024426.4); c.530C>T, p.Ala177Val (NM_000378.6, NM_001407044.1, NM_001407045.1 and 6 more transcripts); c.311C>T, p.Ala104Val (NM_001429031.1, NM_001429032.1, NM_001429033.1 and 1 more transcripts); short protein forms A177V, A172V, A104V.
Identifiers: ClinVar variation 3599557 (VCV003599557.2).

ClinVar aggregate classification (germline): Uncertain significance. Review status: criteria provided, multiple submitters, no conflicts (2 of 4 stars). 2 submissions from 2 submitters: Uncertain significance (2). Last evaluated 2026-05-23.

Conditions:
Inborn genetic diseases. Identifiers: MedGen C0950123, MeSH D030342.
Wilms tumor 1 (WT1). Also called: Wilms tumor, somatic. Identifiers: Orphanet 654, MedGen CN033288, MONDO:0008679, OMIM 194070.
Meacham syndrome. Also called: Meacham Winn Culler syndrome. Identifiers: Orphanet 3097, MedGen C1837026, MONDO:0012164, OMIM 608978.
Nephrotic syndrome, type 4 (NPHS4). Also called: Familial mesangial sclerosis; Nephrotic syndrome, early onset with diffuse mesangial sclerosis. Identifiers: Orphanet 656, MedGen C3151568, MONDO:0009733, OMIM 256370.
Mesothelioma, malignant (MESOM). Also called: Malignant mesothelioma (disease). Identifiers: Orphanet 50251, MedGen C0345967, MONDO:0006292, OMIM 156240, HP:0100001.
Frasier syndrome. Identifiers: Orphanet 347, MedGen C0950122, MeSH D052159, MONDO:0007635, OMIM 136680.
Drash syndrome (DDS). Also called: NEPHROPATHY, WILMS TUMOR, AND GENITAL ANOMALIES; WILMS TUMOR AND PSEUDO- OR TRUE HERMAPHRODITISM. Identifiers: Orphanet 220, MedGen C0950121, MONDO:0008682, OMIM 194080.

Submissions (2):

Ambry Genetics
Classification: Uncertain significance for Inborn genetic diseases. Last evaluated: 2026-05-23. Review status: criteria provided, single submitter. Criteria: Ambry Variant Classification Scheme 2023. Collection method: clinical testing. Allele origin: germline.
Comment: The p.A172V variant (also known as c.515C>T), located in coding exon 1 of the WT1 gene, results from a C to T substitution at nucleotide position 515. The alanine at codon 172 is replaced by valine, an amino acid with similar properties. This amino acid position is conserved. In addition, this alteration is predicted to be tolerated by in silico analysis. Based on the available evidence, the clinical significance of this variant remains unclear.

Fulgent Genetics
Classification: Uncertain significance for Frasier syndrome; Mesothelioma, malignant; Wilms tumor 1; Drash syndrome; Nephrotic syndrome, type 4; Meacham syndrome. Last evaluated: 2024-04-04. Review status: criteria provided, single submitter. Criteria: ACMG Guidelines, 2015. Collection method: clinical testing. Allele origin: germline.